The following is an entry in ClinVar:

ClinVar aggregate classification (germline): Uncertain significance (0 of 4 stars; one submission).

Conditions:
SEMA3F-related disorder. Also called: SEMA3F-related condition.

Submission:

PreventionGenetics, part of Exact Sciences
Classification: Uncertain significance for SEMA3F-related condition. Last evaluated: 2024-08-19. Review status: no assertion criteria provided. Collection method: clinical testing. Allele origin: germline.
Comment: The SEMA3F c.959C>T variant is predicted to result in the amino acid substitution p.Ala320Val. To our knowledge, this variant has not been reported in the literature. This variant is reported in 0.0029% of alleles in individuals of Latino descent in gnomAD. At this time, the clinical significance of this variant is uncertain due to the absence of conclusive functional and genetic evidence.

NM_004186.5(SEMA3F):c.959C>T (p.Ala320Val)

Gene: SEMA3F (semaphorin 3F; plus strand). Cytogenetic location: 3p21.31.
Variant type: single nucleotide variant.
Coding change: c.959C>T on transcript NM_004186.5 (MANE Select); coding-DNA position 959, C replaced by T.
Protein change: p.Ala320Val; replaces alanine 320 with valine.
Molecular consequence: missense variant.
Genome position (GRCh38, 1-based): chr3:50,182,959, C>T. VCF-style: chr3-50182959-C-T. GRCh37 (hg19) VCF-style: chr3-50220392-C-T.
Other names: c.662C>T, p.Ala221Val (NM_001318798.2); c.866C>T, p.Ala289Val (NM_001318800.2); short protein forms A221V, A289V, A320V.
Identifiers: ClinVar variation 3354518 (VCV003354518.1).
Genomic context (GRCh38, chr3:50,182,959, plus strand): 5'-CCCAGAACGATGACGGTGGTCACTGTTGCCTGGTCAACAAGTGGAGCACATTCCTGAAGG[C>T]GCGGCTCGTCTGCTCTGTCCCGGGCGAGGATGGCATTGAGACTCACTTTGATGAGCTCCG-3'
Protein context (NP_004177.3, residues 310-330): LVNKWSTFLK[Ala320Val]RLVCSVPGED